The following continues an entry in ClinVar:

NM_000540.3(RYR1):c.7523G>A (p.Arg2508His)

Gene: RYR1. ClinVar aggregate classification (germline): Likely pathogenic; drug response. Likely pathogenic (2).

Submissions 11 to 15 of 15:

PreventionGenetics, part of Exact Sciences
Classification: Pathogenic for RYR1-related condition. Last evaluated: 2025-08-18. Review status: criteria provided, single submitter. Criteria: ACMG Guidelines, 2015. Collection method: clinical testing. Allele origin: germline. Not counted in ClinVar's aggregate classification.
Comment: The RYR1 c.7523G>A variant is predicted to result in the amino acid substitution p.Arg2508His. This variant has been reported in multiple individuals with RYR1-related myopathy and malignant hyperthermia (MH) (see for example Robinson et al., 2006. PubMed ID: 16917943; Ibarra et al., 2006. PubMed ID: 16732084; Zhou et al., 2007. PubMed ID: 17483490; Chan et al., 2011. PubMed ID: 21282829; Brandom et al., 2013. PubMed ID: 23558838). Some of these reports found the variant to have occurred de novo. Alternate missense changes at the same amino acid position (p.Arg2508Cys, p.Arg2508Gly) have also been reported in individuals with RYR1-related disorders (Ibarra et al. 2006. PubMed ID: 16732084; Wu et al. 2006. PubMed ID: 16621918). In addition, the c.7523G>A variant is listed in the European Malignant Hyperthermia Group database as pathogenic and has been interpreted as likely pathogenic by the ClinGen Malignant Hyperthermia Susceptibility Variant Curation Expert Panel (Variation ID: 133207). This variant is reported in 0.0099% of alleles in individuals of Ashkenazi Jewish descent in gnomAD. This variant is interpreted as pathogenic.

Labcorp Genetics (formerly Invitae), Labcorp
Classification: Pathogenic for RYR1-related disorder. Last evaluated: 2025-05-13. Review status: criteria provided, single submitter. Criteria: Invitae Variant Classification Sherloc (09022015). Collection method: clinical testing. Allele origin: germline. Not counted in ClinVar's aggregate classification.
Comment: This sequence change replaces arginine, which is basic and polar, with histidine, which is basic and polar, at codon 2508 of the RYR1 protein (p.Arg2508His). This variant is present in population databases (rs193922818, gnomAD 0.01%). This missense change has been observed in individual(s) with central core myopathy, King Denborough syndrome, malignant hyperthermia, and/or muscle weakness (PMID: 16621918, 16732084, 16835904, 17483490, 20142353, 21282829, 23558838, 25960145). In at least one individual the variant was observed to be de novo. ClinVar contains an entry for this variant (Variation ID: 133207). Invitae Evidence Modeling of protein sequence and biophysical properties (such as structural, functional, and spatial information, amino acid conservation, physicochemical variation, residue mobility, and thermodynamic stability) has been performed for this missense variant. However, the output from this modeling did not meet the statistical confidence thresholds required to predict the impact of this variant on RYR1 protein function. Experimental studies have shown that this missense change affects RYR1 function (PMID: 26381711). This variant disrupts the p.Arg2508 amino acid residue in RYR1. Other variant(s) that disrupt this residue have been determined to be pathogenic (PMID: 16621918, 19685112, 26381711). This suggests that this residue is clinically significant, and that variants that disrupt this residue are likely to be disease-causing. For these reasons, this variant has been classified as Pathogenic.

Institute of Medical Genetics and Applied Genomics, University Hospital Tübingen
Classification: Pathogenic. Last evaluated: 2020-10-23. Review status: criteria provided, single submitter. Criteria: ACMG Guidelines, 2015. Collection method: clinical testing. Allele origin: germline. Inheritance: Unknown mechanism. Affected: yes. Not counted in ClinVar's aggregate classification.

Revvity Omics, Revvity
Classification: Pathogenic. Last evaluated: 2019-02-28. Review status: criteria provided, single submitter. Criteria: ACMG Guidelines, 2015. Collection method: clinical testing. Allele origin: germline. Not counted in ClinVar's aggregate classification.

RYR1 database
No classification provided. Review status: no classification provided. Collection method: not provided. Allele origin: unknown. Not counted in ClinVar's aggregate classification.

Literature cited by the submitters: PubMed 26381711 (cited by ClinGen Congenital Myopathies Variant Curation Expert Panel, ClinGen and Labcorp Genetics (formerly Invitae), Labcorp); PubMed 27586648 (cited by ClinGen Congenital Myopathies Variant Curation Expert Panel, ClinGen); PubMed 16621918 (cited by ClinPGx and Labcorp Genetics (formerly Invitae), Labcorp); PubMed 16732084 (cited by ClinPGx and Labcorp Genetics (formerly Invitae), Labcorp); PubMed 16835904 (cited by ClinPGx and Labcorp Genetics (formerly Invitae), Labcorp); PubMed 16917943 (cited by ClinPGx); PubMed 17483490 (cited by ClinPGx and Labcorp Genetics (formerly Invitae), Labcorp); PubMed 21282829 (cited by ClinPGx and Labcorp Genetics (formerly Invitae), Labcorp); PubMed 25960145 (cited by ClinPGx and Labcorp Genetics (formerly Invitae), Labcorp); PubMed 20142353 (cited by Labcorp Genetics (formerly Invitae), Labcorp); PubMed 23558838 (cited by Labcorp Genetics (formerly Invitae), Labcorp); PubMed 19685112 (cited by Labcorp Genetics (formerly Invitae), Labcorp).